The following is an entry in ClinVar:

ClinVar aggregate classification (germline): Pathogenic (1 of 4 stars; one submission).

gnomAD v4.1: 1 of 1,613,934 alleles (0.000062%); highest among the groups gnomAD compares: East Asian, 0.0022%; no homozygotes.

Submission:

Labcorp Genetics (formerly Invitae), Labcorp
Classification: Pathogenic. Last evaluated: 2024-09-22. Review status: criteria provided, single submitter. Criteria: Invitae Variant Classification Sherloc (09022015). Collection method: clinical testing. Allele origin: germline.
Comment: This sequence change creates a premature translational stop signal (p.Glu80*) in the DNAJC21 gene. It is expected to result in an absent or disrupted protein product. Loss-of-function variants in DNAJC21 are known to be pathogenic (PMID: 27346687, 28062395). This variant is present in population databases (no rsID available, gnomAD 0.006%). This variant has not been reported in the literature in individuals affected with DNAJC21-related conditions. For these reasons, this variant has been classified as Pathogenic.

Literature cited by the submitters: PubMed 27346687; PubMed 28062395.

NM_001012339.3(DNAJC21):c.238G>T (p.Glu80Ter)

Gene: DNAJC21 (DnaJ heat shock protein family (Hsp40) member C21; plus strand). Cytogenetic location: 5p13.2.
Variant type: single nucleotide variant.
Coding change: c.238G>T on transcript NM_001012339.3 (MANE Select); coding-DNA position 238, G replaced by T.
Protein change: p.Glu80Ter; replaces glutamic acid 80 with a stop codon.
Molecular consequence: nonsense.
Genome position (GRCh38, 1-based): chr5:34,935,756, G>T. VCF-style: chr5-34935756-G-T. GRCh37 (hg19) VCF-style: chr5-34935861-G-T.
Other names: c.238G>T, p.Glu80Ter (NM_001348420.2, NM_194283.4); short protein forms E80*.
Identifiers: ClinVar variation 3630257 (VCV003630257.2).